The following is an entry in ClinVar:

ClinVar aggregate classification (germline): Uncertain significance. Review status: criteria provided, single submitter (1 of 4 stars). 2 submissions from 2 submitters: Uncertain significance (1). 1 of the submissions does not count toward it. Last evaluated 2022-06-26.

Conditions:
Cohen syndrome (COH1). Also called: Cutis verticis gyrata, retinitis pigmentosa, and sensorineural deafness; PEPPER SYNDROME. Identifiers: Orphanet 193, MedGen C0265223, MONDO:0008999, OMIM 216550.

Submissions (2):

Labcorp Genetics (formerly Invitae), Labcorp
Classification: Uncertain significance for Cohen syndrome. Last evaluated: 2022-06-26. Review status: criteria provided, single submitter. Criteria: Invitae Variant Classification Sherloc (09022015). Collection method: clinical testing. Allele origin: germline.
Comment: This variant, c.11212_11214del, results in the deletion of 1 amino acid(s) of the VPS13B protein (p.Glu3738del), but otherwise preserves the integrity of the reading frame. The frequency data for this variant in the population databases is considered unreliable, as metrics indicate poor data quality at this position in the gnomAD database. This variant has not been reported in the literature in individuals affected with VPS13B-related conditions. ClinVar contains an entry for this variant (Variation ID: 553212). Experimental studies and prediction algorithms are not available or were not evaluated, and the functional significance of this variant is currently unknown. In summary, the available evidence is currently insufficient to determine the role of this variant in disease. Therefore, it has been classified as a Variant of Uncertain Significance.

Counsyl
Classification: Uncertain significance for Cohen syndrome. Last evaluated: 2017-08-08. Review status: no assertion criteria provided. Collection method: clinical testing. Allele origin: unknown. Not counted in ClinVar's aggregate classification.

NM_152564.5(VPS13B):c.11134GAG[1] (p.Glu3713del)

Gene: VPS13B (vacuolar protein sorting 13 homolog B; plus strand). Cytogenetic location: 8q22.2.
Variant type: Microsatellite.
Coding change: c.11134GAG[1] on transcript NM_152564.5 (MANE Select); one copy of the 3-base unit GAG starting at c.11134; the reference has two copies in a row; one copy, 3 bases deleted.
Protein change: p.Glu3713del; deletes glutamic acid 3713.
Molecular consequence: inframe deletion.
Genome position (GRCh38, 1-based): chr8:99,861,868-99,861,870, GAG deleted; deleting any 3 consecutive bases within chr8:99,861,863-99,861,870 gives the same sequence; the position shown is the placement nearest the transcript's 3' end. VCF-style (leftmost placement, unchanged base first): chr8-99861862-CAGG-C. GRCh37 (hg19) VCF-style: chr8-100874090-CAGG-C.
Other names: c.11209GAG[1], p.Glu3738del (NM_017890.5); c.11212_11214delGAG (NM_017890.4); short protein forms E3738del, E3713del.
Identifiers: ClinVar variation 553212 (VCV000553212.4), dbSNP rs781133717, ClinGen allele CA4825151.